The following is an entry in ClinVar:

ClinVar aggregate classification (germline): Uncertain significance. Review status: criteria provided, multiple submitters, no conflicts (2 of 4 stars). 2 submissions from 2 submitters: Uncertain significance (2). Last evaluated 2024-10-31.

Conditions:
Familial cancer of breast. Also called: Hereditary breast cancer; hereditary breast carcinoma; BREAST CANCER, FAMILIAL. Identifiers: Orphanet 227535, MedGen C0346153, MONDO:0016419, OMIM 114480. Disease mechanism: loss of function.
Ataxia-telangiectasia syndrome (AT). Also called: Ataxia-telangiectasia, complementation group D; AT, COMPLEMENTATION GROUP C; ATAXIA-TELANGIECTASIA, COMPLEMENTATION GROUP A; ATAXIA-TELANGIECTASIA, FRESNO VARIANT; Ataxia-telangiectasia; Ataxia telangiectasia (A-T). Identifiers: Orphanet 100, MedGen C0004135, MONDO:0008840, OMIM 208900.

Submissions (2):

Labcorp Genetics (formerly Invitae), Labcorp
Classification: Uncertain significance for Ataxia-telangiectasia syndrome. Last evaluated: 2024-10-31. Review status: criteria provided, single submitter. Criteria: Invitae Variant Classification Sherloc (09022015). Collection method: clinical testing. Allele origin: germline.
Comment: This variant, c.6353_6355del, results in the deletion of 1 amino acid(s) of the ATM protein (p.Glu2118del), but otherwise preserves the integrity of the reading frame. This variant is not present in population databases (gnomAD no frequency). This variant has been observed in individual(s) with breast cancer (PMID: 30287823). ClinVar contains an entry for this variant (Variation ID: 959351). Experimental studies and prediction algorithms are not available or were not evaluated, and the functional significance of this variant is currently unknown. In summary, the available evidence is currently insufficient to determine the role of this variant in disease. Therefore, it has been classified as a Variant of Uncertain Significance.

Fulgent Genetics
Classification: Uncertain significance for Familial cancer of breast; Ataxia-telangiectasia syndrome. Last evaluated: 2024-06-14. Review status: criteria provided, single submitter. Criteria: ACMG Guidelines, 2015. Collection method: clinical testing. Allele origin: germline.

Literature cited by the submitters: PubMed 30287823 (cited by Labcorp Genetics (formerly Invitae), Labcorp).

NM_000051.4(ATM):c.6350AAG[1] (p.Glu2118del)

Genes: ATM (ATM serine/threonine kinase; plus strand), C11orf65 (chromosome 11 open reading frame 65; minus strand). Cytogenetic location: 11q22.3.
Variant type: Microsatellite.
Coding change: c.6350AAG[1] on transcript NM_000051.4 (MANE Select); one copy of the 3-base unit AAG starting at c.6350; the reference has two copies in a row; one copy, 3 bases deleted; also written c.6353_6355del.
Protein change: p.Glu2118del; deletes glutamic acid 2118.
Molecular consequence: inframe deletion. On other transcripts: inframe indel (1), intron variant (2).
Genome position (GRCh38, 1-based): chr11:108,319,959-108,319,961, AAG deleted; deleting any 3 consecutive bases within chr11:108,319,956-108,319,961 gives the same sequence; the position shown is the placement nearest the transcript's 3' end. VCF-style (leftmost placement, unchanged base first): chr11-108319955-AAAG-A. GRCh37 (hg19) VCF-style: chr11-108190682-AAAG-A.
Other names: c.6353_6355del (NM_000051.3); c.6350AAG[1], p.Glu2118del (NM_001351834.2); c.641-10887_641-10885del (NM_001330368.2); c.*39-10887_*39-10885del (NM_001351110.2); short protein forms E2118del.
Identifiers: ClinVar variation 959351 (VCV000959351.12), dbSNP rs2085076333, ClinGen allele CA1998805488.